The following is an entry in ClinVar:

ClinVar aggregate classification (germline): Uncertain significance (1 of 4 stars; one submission).

Allele frequency attached by ClinVar (database versions not stated): gnomAD 0.00001.
gnomAD v4.1: 3 of 1,612,868 alleles (0.00019%); highest among the groups gnomAD compares: Non-Finnish European, 0.00025%; no homozygotes.

Submission:

Labcorp Genetics (formerly Invitae), Labcorp
Classification: Uncertain significance. Last evaluated: 2024-02-19. Review status: criteria provided, single submitter. Criteria: Invitae Variant Classification Sherloc (09022015). Collection method: clinical testing. Allele origin: germline.
Comment: This sequence change replaces tyrosine, which is neutral and polar, with histidine, which is basic and polar, at codon 1906 of the FAT4 protein (p.Tyr1906His). This variant is present in population databases (no rsID available, gnomAD 0.002%). This variant has not been reported in the literature in individuals affected with FAT4-related conditions. ClinVar contains an entry for this variant (Variation ID: 2157251). Advanced modeling of protein sequence and biophysical properties (such as structural, functional, and spatial information, amino acid conservation, physicochemical variation, residue mobility, and thermodynamic stability) performed at Invitae indicates that this missense variant is not expected to disrupt FAT4 protein function with a negative predictive value of 95%. In summary, the available evidence is currently insufficient to determine the role of this variant in disease. Therefore, it has been classified as a Variant of Uncertain Significance.

NM_001291303.3(FAT4):c.5716T>C (p.Tyr1906His)

Gene: FAT4 (FAT atypical cadherin 4; plus strand). Cytogenetic location: 4q28.1.
Variant type: single nucleotide variant.
Coding change: c.5716T>C on transcript NM_001291303.3 (MANE Select); coding-DNA position 5716, T replaced by C.
Protein change: p.Tyr1906His; replaces tyrosine 1906 with histidine.
Molecular consequence: missense variant.
Genome position (GRCh38, 1-based): chr4:125,408,590, T>C. VCF-style: chr4-125408590-T-C. GRCh37 (hg19) VCF-style: chr4-126329745-T-C.
Other names: c.5716T>C, p.Tyr1906His (NM_001291285.3, NM_024582.6); short protein forms Y1906H.
Identifiers: ClinVar variation 2157251 (VCV002157251.3), dbSNP rs1157733260, ClinGen allele CA358123426.